The following is an entry in ClinVar:

NM_001040142.2(SCN2A):c.3922C>A (p.Leu1308Ile)

Gene: SCN2A (sodium voltage-gated channel alpha subunit 2; plus strand). Cytogenetic location: 2q24.3.
Variant type: single nucleotide variant.
Coding change: c.3922C>A on transcript NM_001040142.2 (MANE Select); coding-DNA position 3922, C replaced by A.
Protein change: p.Leu1308Ile; replaces leucine 1308 with isoleucine.
Molecular consequence: missense variant.
Genome position (GRCh38, 1-based): chr2:165,373,297, C>A. VCF-style: chr2-165373297-C-A. GRCh37 (hg19) VCF-style: chr2-166229807-C-A.
Other names: c.3922C>A, p.Leu1308Ile (NM_001040143.2, NM_001371246.1, NM_001371247.1 and 1 more transcripts); short protein forms L1308I.
Identifiers: ClinVar variation 1351887 (VCV001351887.8), dbSNP rs2105370702, ClinGen allele CA349029242.

ClinVar aggregate classification (germline): Uncertain significance (1 of 4 stars; one submission).

Conditions:
Seizures, benign familial infantile, 3 (BFIS3). Also called: Familial neonatal seizures; CONVULSIONS, BENIGN FAMILIAL INFANTILE, 3. Identifiers: Orphanet 140927, Orphanet 306, MedGen C1843140, MONDO:0011904, OMIM 607745.
Developmental and epileptic encephalopathy, 11 (DEE11). Also called: Early infantile epileptic encephalopathy 11. Identifiers: Orphanet 1934, MedGen C3150987, MONDO:0013388, OMIM 613721.

Submission:

Labcorp Genetics (formerly Invitae), Labcorp
Classification: Uncertain significance for Seizures, benign familial infantile, 3; Developmental and epileptic encephalopathy, 11. Last evaluated: 2022-07-26. Review status: criteria provided, single submitter. Criteria: Invitae Variant Classification Sherloc (09022015). Collection method: clinical testing. Allele origin: germline.
Comment: This sequence change replaces leucine, which is neutral and non-polar, with isoleucine, which is neutral and non-polar, at codon 1308 of the SCN2A protein (p.Leu1308Ile). This variant is not present in population databases (gnomAD no frequency). This variant has not been reported in the literature in individuals affected with SCN2A-related conditions. ClinVar contains an entry for this variant (Variation ID: 1351887). Algorithms developed to predict the effect of missense changes on protein structure and function are either unavailable or do not agree on the potential impact of this missense change (SIFT: "Deleterious"; PolyPhen-2: "Probably Damaging"; Align-GVGD: "Class C0"). In summary, the available evidence is currently insufficient to determine the role of this variant in disease. Therefore, it has been classified as a Variant of Uncertain Significance.